The following is an entry in ClinVar:

ClinVar aggregate classification (germline): Uncertain significance. Review status: criteria provided, multiple submitters, no conflicts (2 of 4 stars). 2 submissions from 2 submitters: Uncertain significance (2). Last evaluated 2025-11-15.

Conditions:
Supravalvar aortic stenosis (SVAS). Also called: Supravalvar aortic stenosis, Eisenberg type. Identifiers: Orphanet 3193, MedGen C0003499, MONDO:0008504, OMIM 185500, HP:0004381.

Allele frequency attached by ClinVar (database versions not stated): gnomAD exomes below 0.00001.
gnomAD v4.1: 2 of 1,614,074 alleles (0.00012%); highest among the groups gnomAD compares: Non-Finnish European, 0.00017%; no homozygotes.

Submissions (2):

Labcorp Genetics (formerly Invitae), Labcorp
Classification: Uncertain significance for Supravalvar aortic stenosis. Last evaluated: 2025-11-15. Review status: criteria provided, single submitter. Criteria: Invitae Variant Classification Sherloc (09022015). Collection method: clinical testing. Allele origin: germline.
Comment: This sequence change replaces glycine, which is neutral and non-polar, with aspartic acid, which is acidic and polar, at codon 284 of the ELN protein (p.Gly284Asp). This variant is not present in population databases (gnomAD no frequency). This variant has not been reported in the literature in individuals affected with ELN-related conditions. ClinVar contains an entry for this variant (Variation ID: 1313816). Invitae Evidence Modeling of protein sequence and biophysical properties (such as structural, functional, and spatial information, amino acid conservation, physicochemical variation, residue mobility, and thermodynamic stability) indicates that this missense variant is not expected to disrupt ELN protein function with a negative predictive value of 80%. In summary, the available evidence is currently insufficient to determine the role of this variant in disease. Therefore, it has been classified as a Variant of Uncertain Significance.

GeneDx
Classification: Uncertain significance. Last evaluated: 2021-01-05. Review status: criteria provided, single submitter. Criteria: GeneDx Variant Classification Process June 2021. Collection method: clinical testing. Allele origin: germline. Affected: yes.
Comment: Has not been previously published as pathogenic or benign to our knowledge; Not observed in large population cohorts (Lek et al., 2016); In silico analysis supports that this missense variant has a deleterious effect on protein structure/function

NM_000501.4(ELN):c.851G>A (p.Gly284Asp)

Gene: ELN (elastin; plus strand). Cytogenetic location: 7q11.23.
Variant type: single nucleotide variant.
Coding change: c.851G>A on transcript NM_000501.4 (MANE Select); coding-DNA position 851, G replaced by A.
Protein change: p.Gly284Asp; replaces glycine 284 with aspartic acid.
Molecular consequence: missense variant.
Genome position (GRCh38, 1-based): chr7:74,051,801, G>A. VCF-style: chr7-74051801-G-A. GRCh37 (hg19) VCF-style: chr7-73466131-G-A.
Other names: c.821G>A, p.Gly274Asp (NM_001081752.3, NM_001278917.2); c.866G>A, p.Gly289Asp (NM_001081753.3, NM_001081754.3); c.851G>A, p.Gly284Asp (NM_001081755.3, NM_001278912.2, NM_001278915.2 and 1 more transcripts); c.743G>A, p.Gly248Asp (NM_001278913.2); c.836G>A, p.Gly279Asp (NM_001278914.2); c.809G>A, p.Gly270Asp (NM_001278916.2); c.719G>A, p.Gly240Asp (NM_001278918.2); short protein forms G240D, G248D, G270D, G274D, G279D, G284D, G289D.
Identifiers: ClinVar variation 1313816 (VCV001313816.6), dbSNP rs1287098263, ClinGen allele CA367871071.
Genomic context (GRCh38, chr7:74,051,801, plus strand): 5'-TCTCAACAGGTGCTGGAGCAGCCGGAGTCCTCCCTGGTGTTGGAGGGGCTGGTGTTCCTG[G>A]CGTGCCTGGGGCAATTCCTGGAATTGGAGGCATCGCAGGTAACATCTGTCCCAGCAGGGG-3'
Protein context (NP_000492.2, residues 274-294): LPGVGGAGVP[Gly284Asp]VPGAIPGIGG